The following is an entry in ClinVar:

NM_001046.3(SLC12A2):c.309A>G (p.Ala103=)

Gene: SLC12A2 (solute carrier family 12 member 2; plus strand). Cytogenetic location: 5q23.3.
Variant type: single nucleotide variant.
Coding change: c.309A>G on transcript NM_001046.3 (MANE Select); coding-DNA position 309, A replaced by G.
Protein change: p.Ala103=; no amino-acid change (alanine 103 retained).
Molecular consequence: synonymous variant. On other transcripts: non-coding transcript variant (1).
Genome position (GRCh38, 1-based): chr5:128,084,263, A>G. VCF-style: chr5-128084263-A-G. GRCh37 (hg19) VCF-style: chr5-127419955-A-G.
Other names: c.309A>G, p.Ala103= (NM_001256461.2).
Identifiers: ClinVar variation 2143414 (VCV002143414.11), dbSNP rs914390065, ClinGen allele CA126980475.
Genomic context (GRCh38, chr5:128,084,263, plus strand): 5'-GGACCTGGTTTCCGAGAACGCCGGGCGGGCCGCTGCTGCGGCGGCGGCGGCGGCGGCGGC[A>G]GCGGCGGCGGCTGGTGCTGGGGCGGGGGCCAAGCAGACCCCCGCGGACGGGGAAGCCAGC-3'
Protein context (NP_001037.1, residues 93-113): AAAAAAAAAA[Ala103=]AAAAGAGAGA

ClinVar aggregate classification (germline): Likely benign. Review status: criteria provided, multiple submitters, no conflicts (2 of 4 stars). 2 submissions from 2 submitters: Likely benign (2). Last evaluated 2026-03-01.

Allele frequency attached by ClinVar (database versions not stated): gnomAD exomes 0.00007; gnomAD 0.00023.

Submissions (2):

CeGaT Center for Human Genetics Tuebingen
Classification: Likely benign. Last evaluated: 2026-03-01. Review status: criteria provided, single submitter. Criteria: CeGaT Center For Human Genetics Tuebingen Variant Classification Criteria Version 2. Collection method: clinical testing. Allele origin: germline. Affected: yes. Observed: 2 variant alleles.
Comment: SLC12A2: BP4, BP7

Labcorp Genetics (formerly Invitae), Labcorp
Classification: Likely benign. Last evaluated: 2025-06-25. Review status: criteria provided, single submitter. Criteria: Invitae Variant Classification Sherloc (09022015). Collection method: clinical testing. Allele origin: germline.